The following is an entry in ClinVar:

NM_024675.4(PALB2):c.269A>G (p.Glu90Gly)

Gene: PALB2 (partner and localizer of BRCA2; minus strand). Cytogenetic location: 16p12.2.
Variant type: single nucleotide variant.
Coding change: c.269A>G on transcript NM_024675.4 (MANE Select); coding-DNA position 269, A replaced by G.
Protein change: p.Glu90Gly; replaces glutamic acid 90 with glycine.
Molecular consequence: missense variant.
Genome position (GRCh38, 1-based): chr16:23,636,277, T>C on the plus strand (A>G on the coding strand, the complement: PALB2 is on the minus strand). VCF-style: chr16-23636277-T-C. GRCh37 (hg19) VCF-style: chr16-23647598-T-C.
Other names: short protein forms E90G.
Identifiers: ClinVar variation 410216 (VCV000410216.10), dbSNP rs1060502807, ClinGen allele CA16614876.

ClinVar aggregate classification (germline): Uncertain significance (1 of 4 stars; one submission).

Conditions:
Familial cancer of breast. Also called: BREAST CANCER, FAMILIAL; Hereditary breast cancer; hereditary breast carcinoma. Identifiers: Orphanet 227535, MedGen C0346153, MONDO:0016419, OMIM 114480. Disease mechanism: loss of function.

Submission:

Labcorp Genetics (formerly Invitae), Labcorp
Classification: Uncertain significance for Familial cancer of breast. Last evaluated: 2024-01-18. Review status: criteria provided, single submitter. Criteria: Invitae Variant Classification Sherloc (09022015). Collection method: clinical testing. Allele origin: germline.
Comment: This sequence change replaces glutamic acid, which is acidic and polar, with glycine, which is neutral and non-polar, at codon 90 of the PALB2 protein (p.Glu90Gly). This variant is not present in population databases (gnomAD no frequency). This variant has not been reported in the literature in individuals affected with PALB2-related conditions. ClinVar contains an entry for this variant (Variation ID: 410216). Algorithms developed to predict the effect of missense changes on protein structure and function output the following: SIFT: "Not Available"; PolyPhen-2: "Benign"; Align-GVGD: "Not Available". The glycine amino acid residue is found in multiple mammalian species, which suggests that this missense change does not adversely affect protein function. In summary, the available evidence is currently insufficient to determine the role of this variant in disease. Therefore, it has been classified as a Variant of Uncertain Significance.